The following is an entry in ClinVar:

ClinVar aggregate classification (germline): Likely benign. Review status: criteria provided, multiple submitters, no conflicts (2 of 4 stars). 2 submissions from 2 submitters: Likely benign (2). Last evaluated 2026-04-13.

Conditions:
COL18A1-related disorder. Also called: COL18A1-related condition; COL18A1-related disorders.

gnomAD v4.1: 88 of 1,547,636 alleles (0.0057%); highest among the groups gnomAD compares: African/African-American, 0.086%; no homozygotes.

Submissions (2):

PreventionGenetics, part of Exact Sciences
Classification: Likely benign for COL18A1-related condition. Last evaluated: 2026-04-13. Review status: criteria provided, single submitter. Criteria: ACMG Guidelines, 2015. Collection method: clinical testing. Allele origin: germline.
Comment: This variant is classified as likely benign based on ACMG/AMP sequence variant interpretation guidelines (Richards et al. 2015 PMID: 25741868, with internal and published modifications).

Blueprint Genetics
Classification: Likely benign. Last evaluated: 2024-11-25. Review status: criteria provided, single submitter. Criteria: ACMG Guidelines, 2015. Collection method: clinical testing. Allele origin: germline.

NM_001379500.1(COL18A1):c.107-11730G>A

Gene: COL18A1 (collagen type XVIII alpha 1 chain; plus strand). Cytogenetic location: 21q22.3.
Variant type: single nucleotide variant.
Coding change: c.107-11730G>A on transcript NM_001379500.1 (MANE Select); 11730 bases into the intron before coding-DNA position 107, G replaced by A.
Molecular consequence: intron variant. On other transcripts: missense variant (1).
Genome position (GRCh38, 1-based): chr21:45,456,512, G>A. VCF-style: chr21-45456512-G-A. GRCh37 (hg19) VCF-style: chr21-46876426-G-A.
Other names: c.982G>A, p.Glu328Lys (NM_130444.3); c.646+336G>A (NM_030582.4); c.982G>A (NM_130444.2); short protein forms E328K.
Identifiers: ClinVar variation 4946572 (VCV004946572.2).